The following is an entry in ClinVar:

NM_005577.4(LPA):c.5735+6C>T

Gene: LPA (lipoprotein(a); minus strand). Cytogenetic location: 6q25.3.
Variant type: single nucleotide variant.
Coding change: c.5735+6C>T on transcript NM_005577.4 (MANE Select); 6 bases into the intron after coding-DNA position 5735, C replaced by T.
Molecular consequence: intron variant.
Genome position (GRCh38, 1-based): chr6:160,540,037, G>A on the plus strand (C>T on the coding strand, the complement: LPA is on the minus strand). VCF-style: chr6-160540037-G-A. GRCh37 (hg19) VCF-style: chr6-160961069-G-A.
Identifiers: ClinVar variation 2657110 (VCV002657110.24), dbSNP rs781720212, ClinGen allele CA4085625.
Genomic context (GRCh38, chr6:160,540,037, plus strand): 5'-ATAAAACCCAGACATAAAGCAAATATCTTCACCAGCGTGGGGTGAAGACCACAGGTGAGC[G>A]AGTACCTGCTTAGCTTTAGCAAGGCAATATCTGCTTGTGTGGGCTCCAAGAACAGCCTAG-3'

ClinVar aggregate classification (germline): Likely benign (1 of 4 stars; one submission).

Allele frequency attached by ClinVar (database versions not stated): TOPMed below 0.00001; ExAC 0.00002.
gnomAD v4.1: 56 of 1,614,078 alleles (0.0035%); highest among the groups gnomAD compares: Non-Finnish European, 0.0046%; no homozygotes.

Submission:

CeGaT Center for Human Genetics Tuebingen
Classification: Likely benign. Last evaluated: 2023-02-01. Review status: criteria provided, single submitter. Criteria: CeGaT Center For Human Genetics Tuebingen Variant Classification Criteria Version 2. Collection method: clinical testing. Allele origin: germline. Affected: yes. Observed: 1 variant allele.
Comment: LPA: BP4